The following is an entry in ClinVar:

ClinVar aggregate classification (germline): Pathogenic (1 of 4 stars; one submission).

Conditions:
Methylmalonic aciduria, cblB type (MACB). Also called: Methylmalonic acidemia cblB type; METHYLMALONIC ACIDURIA, VITAMIN B12-RESPONSIVE, DUE TO DEFECT IN SYNTHESIS OF ADENOSYLCOBALAMIN, cblB TYPE; Vitamin B12-responsive methylmalonic acidemia type cblB. Identifiers: Orphanet 28, Orphanet 79311, MedGen C1855102, MONDO:0009614, OMIM 251110.

Submission:

Labcorp Genetics (formerly Invitae), Labcorp
Classification: Pathogenic for Methylmalonic aciduria, cblB type. Last evaluated: 2022-08-28. Review status: criteria provided, single submitter. Criteria: Invitae Variant Classification Sherloc (09022015). Collection method: clinical testing. Allele origin: germline.
Comment: For these reasons, this variant has been classified as Pathogenic. This variant has not been reported in the literature in individuals affected with MMAB-related conditions. This variant is a gross deletion of the genomic region encompassing exon(s) 1-2 of the MMAB gene, which includes the initiator codon. This deletion extends beyond the assayed region for this gene and therefore may encompass additional genes. It is expected to result in an absent or disrupted protein product. Loss-of-function variants in MMAB are known to be pathogenic (PMID: 15781192, 16410054).

Literature cited by the submitters: PubMed 15781192; PubMed 16410054.

NC_000012.11:g.(?_110009444)_(110012715_?)del

Genes: MMAB (metabolism of cobalamin associated B; minus strand), MVK (mevalonate kinase; plus strand). Cytogenetic location: 12q24.11.
Variant type: Deletion.
Identifiers: ClinVar variation 2427143 (VCV002427143.4).